The following is an entry in ClinVar:

NM_016592.5(GNAS):c.693G>C (p.Pro231=)

Genes: GNAS (GNAS complex locus; plus strand), GNAS-AS1 (GNAS antisense RNA 1; minus strand). Cytogenetic location: 20q13.32.
Variant type: single nucleotide variant.
Coding change: c.693G>C on transcript NM_016592.5 (MANE Plus Clinical); coding-DNA position 693, G replaced by C.
Protein change: p.Pro231=; no amino-acid change (proline 231 retained).
Molecular consequence: synonymous variant. On other transcripts: 5 prime UTR variant (1).
Genome position (GRCh38, 1-based): chr20:58,840,799, G>C. VCF-style: chr20-58840799-G-C. GRCh37 (hg19) VCF-style: chr20-57415854-G-C.
Other names: c.-45G>C (NM_001410912.1).
Identifiers: ClinVar variation 3351012 (VCV003351012.1).

ClinVar aggregate classification (germline): Likely benign (0 of 4 stars; one submission).

Conditions:
GNAS-related disorder. Identifiers: MedGen CN380105.

gnomAD v4.1: 1 of 1,612,302 alleles (0.000062%); highest among the groups gnomAD compares: Non-Finnish European, 0.000085%; no homozygotes.

Submission:

PreventionGenetics, part of Exact Sciences
Classification: Likely benign for GNAS-related condition. Last evaluated: 2020-09-29. Review status: no assertion criteria provided. Collection method: clinical testing. Allele origin: germline.
Comment: This variant is classified as likely benign based on ACMG/AMP sequence variant interpretation guidelines (Richards et al. 2015 PMID: 25741868, with internal and published modifications).